The following is an entry in ClinVar:

ClinVar aggregate classification (germline): Conflicting classifications of pathogenicity. Review status: criteria provided, conflicting classifications (1 of 4 stars). 3 submissions from 3 submitters: Uncertain significance (2); Likely benign (1). Last evaluated 2025-12-08.

Conditions:
Dilated cardiomyopathy 1G (CMD1G). Identifiers: Orphanet 154, MedGen C1858763, MONDO:0011400, OMIM 604145.
Autosomal recessive limb-girdle muscular dystrophy type 2J (LGMDR10). Also called: Limb-girdle muscular dystrophy, type 2J; MUSCULAR DYSTROPHY, LIMB-GIRDLE, AUTOSOMAL RECESSIVE 10. Identifiers: Orphanet 140922, MedGen C1837342, MONDO:0012127, OMIM 608807.
Cardiomyopathy (CMYO). Also called: Cardiomyopathies. Identifiers: Orphanet 167848, MedGen C0878544, MONDO:0004994, HP:0001638. Inheritance: Various modes of inheritance.

Allele frequency attached by ClinVar (database versions not stated): gnomAD exomes 0.00002; gnomAD 0.00003; ExAC 0.00004; 1000 Genomes Project 30x 0.00016; 1000 Genomes Project 0.00020.
gnomAD v4.1: 23 of 1,613,846 alleles (0.0014%); highest among the groups gnomAD compares: South Asian, 0.0066%; no homozygotes.

Submissions (3):

Labcorp Genetics (formerly Invitae), Labcorp
Classification: Uncertain significance for Dilated cardiomyopathy 1G; Autosomal recessive limb-girdle muscular dystrophy type 2J. Last evaluated: 2025-12-08. Review status: criteria provided, single submitter. Criteria: Invitae Variant Classification Sherloc (09022015). Collection method: clinical testing. Allele origin: germline.
Comment: This sequence change replaces arginine, which is basic and polar, with glutamine, which is neutral and polar, at codon 33703 of the TTN protein (p.Arg33703Gln). This variant is present in population databases (rs576025689, gnomAD 0.01%). This variant has not been reported in the literature in individuals affected with TTN-related conditions. ClinVar contains an entry for this variant (Variation ID: 1163224). Experimental studies and prediction algorithms are not available or were not evaluated, and the functional significance of this variant is currently unknown. This variant is located in the M band of TTN (PMID: 25589632). Non-truncating variants in this region may be relevant for neuromuscular disorders, but have not been definitively shown to cause cardiomyopathy (PMID: 23975875). In summary, the available evidence is currently insufficient to determine the role of this variant in disease. Therefore, it has been classified as a Variant of Uncertain Significance.

Mayo Clinic Laboratories, Mayo Clinic
Classification: Uncertain significance. Last evaluated: 2025-09-09. Review status: criteria provided, single submitter. Criteria: ACMG Guidelines, 2015. Collection method: clinical testing. Allele origin: germline. Observed: 2 variant alleles.
Comment: BP4, PM2_supporting

CHEO Genetics Diagnostic Laboratory, Children's Hospital of Eastern Ontario
Classification: Likely benign for Cardiomyopathy. Last evaluated: 2023-05-16. Review status: criteria provided, single submitter. Criteria: ACMG Guidelines, 2015. Collection method: clinical testing. Allele origin: germline.

Literature cited by the submitters: PubMed 25589632 (cited by Labcorp Genetics (formerly Invitae), Labcorp); PubMed 23975875 (cited by Labcorp Genetics (formerly Invitae), Labcorp).

NM_001267550.2(TTN):c.101108G>A (p.Arg33703Gln)

Genes: TTN-AS1 (TTN antisense RNA 1; plus strand), TTN (titin; minus strand). Cytogenetic location: 2q31.2.
Variant type: single nucleotide variant.
Coding change: c.101108G>A on transcript NM_001267550.2 (MANE Select); coding-DNA position 101108, G replaced by A.
Protein change: p.Arg33703Gln; replaces arginine 33703 with glutamine.
Molecular consequence: missense variant.
Genome position (GRCh38, 1-based): chr2:178,535,507, C>T on the plus strand (G>A on the coding strand, the complement: TTN is on the minus strand). VCF-style: chr2-178535507-C-T. GRCh37 (hg19) VCF-style: chr2-179400234-C-T.
Other names: c.96185G>A, p.Arg32062Gln (NM_001256850.1); c.73913G>A, p.Arg24638Gln (NM_003319.4); c.93404G>A, p.Arg31135Gln (NM_133378.4); c.74288G>A, p.Arg24763Gln (NM_133432.3); c.74489G>A, p.Arg24830Gln (NM_133437.4); short protein forms R24638Q, R24763Q, R24830Q, R31135Q, R32062Q, R33703Q.
Identifiers: ClinVar variation 1163224 (VCV001163224.14), dbSNP rs576025689, ClinGen allele CA1985928.
Genomic context (GRCh38, chr2:178,535,507, plus strand): 5'-TTGGTGATTTTGCTGCCACCATCAGAGGCTGGCTCAGTCCATGTTAAGTTGACAGAATCT[C>T]GTGAGACATCACTAACTTTGACTCCTCTGGGTGGGTCAGGAACATCAGCCACATCCAGTT-3'
Protein context (NP_001254479.2, residues 33693-33713): PRGVKVSDVS[Arg33703Gln]DSVNLTWTEP